The following is an entry in ClinVar:

ClinVar aggregate classification (germline): Uncertain significance (1 of 4 stars; one submission).

Conditions:
Hereditary cancer-predisposing syndrome. Also called: Neoplastic Syndromes, Hereditary; Tumor predisposition; Hereditary Cancer Syndrome; Hereditary neoplastic syndrome. Identifiers: Orphanet 140162, MedGen C0027672, MeSH D009386, MONDO:0015356.

Allele frequency attached by ClinVar (database versions not stated): gnomAD exomes below 0.00001.
gnomAD v4.1: 2 of 1,564,576 alleles (0.00013%); highest among the groups gnomAD compares: Non-Finnish European, 0.00018%; no homozygotes.

Submission:

Ambry Genetics
Classification: Uncertain significance for Hereditary cancer-predisposing syndrome. Last evaluated: 2023-12-01. Review status: criteria provided, single submitter. Criteria: Ambry Variant Classification Scheme 2023. Collection method: clinical testing. Allele origin: germline.
Comment: The p.I637V variant (also known as c.1909A>G), located in coding exon 12 of the NBN gene, results from an A to G substitution at nucleotide position 1909. The isoleucine at codon 637 is replaced by valine, an amino acid with highly similar properties. This amino acid position is poorly conserved in available vertebrate species. In addition, this alteration is predicted to be tolerated by in silico analysis. Since supporting evidence is limited at this time, the clinical significance of this alteration remains unclear.

NM_002485.5(NBN):c.1909A>G (p.Ile637Val)

Genes: NBN (nibrin; minus strand), LOC126860438 (MED14-independent group 3 enhancer GRCh37_chr8:90959982-90961181; plus strand). Cytogenetic location: 8q21.3.
Variant type: single nucleotide variant.
Coding change: c.1909A>G on transcript NM_002485.5 (MANE Select); coding-DNA position 1909, A replaced by G.
Protein change: p.Ile637Val; replaces isoleucine 637 with valine.
Molecular consequence: missense variant.
Genome position (GRCh38, 1-based): chr8:89,947,829, T>C on the plus strand (A>G on the coding strand, the complement: NBN is on the minus strand). VCF-style: chr8-89947829-T-C. GRCh37 (hg19) VCF-style: chr8-90960057-T-C.
Other names: c.1663A>G, p.Ile555Val (NM_001024688.3); short protein forms I637V, I555V.
Identifiers: ClinVar variation 1782455 (VCV001782455.2), dbSNP rs1164780835, ClinGen allele CA371677189.